The following is an entry in ClinVar:

ClinVar aggregate classification (germline): Uncertain significance (1 of 4 stars; one submission).

Conditions:
Bloom syndrome (BLM). Also called: Bloom-Torre-Machacek syndrome. Identifiers: Orphanet 125, MedGen C0005859, MONDO:0008876, OMIM 210900.

Submission:

Labcorp Genetics (formerly Invitae), Labcorp
Classification: Uncertain significance for Bloom syndrome. Last evaluated: 2023-06-14. Review status: criteria provided, single submitter. Criteria: Invitae Variant Classification Sherloc (09022015). Collection method: clinical testing. Allele origin: germline.
Comment: This variant has not been reported in the literature in individuals affected with BLM-related conditions. This variant is not present in population databases (gnomAD no frequency). This sequence change replaces glycine, which is neutral and non-polar, with alanine, which is neutral and non-polar, at codon 981 of the BLM protein (p.Gly981Ala). Advanced modeling of protein sequence and biophysical properties (such as structural, functional, and spatial information, amino acid conservation, physicochemical variation, residue mobility, and thermodynamic stability) performed at Invitae indicates that this missense variant is expected to disrupt BLM protein function. In summary, the available evidence is currently insufficient to determine the role of this variant in disease. Therefore, it has been classified as a Variant of Uncertain Significance.

NM_000057.4(BLM):c.2942G>C (p.Gly981Ala)

Gene: BLM (BLM RecQ like helicase; plus strand). Cytogenetic location: 15q26.1.
Variant type: single nucleotide variant.
Coding change: c.2942G>C on transcript NM_000057.4 (MANE Select); coding-DNA position 2942, G replaced by C.
Protein change: p.Gly981Ala; replaces glycine 981 with alanine.
Molecular consequence: missense variant.
Genome position (GRCh38, 1-based): chr15:90,790,767, G>C. VCF-style: chr15-90790767-G-C. GRCh37 (hg19) VCF-style: chr15-91333997-G-C.
Other names: c.2942G>C, p.Gly981Ala (NM_001287246.2, NM_001287247.2); c.1817G>C, p.Gly606Ala (NM_001287248.2); short protein forms G606A, G981A.
Identifiers: ClinVar variation 2714059 (VCV002714059.3), dbSNP rs2505516641, ClinGen allele CA393846463.